The following is an entry in ClinVar:

NM_001365999.1(SZT2):c.46G>A (p.Val16Met)

Gene: SZT2 (SZT2 subunit of KICSTOR complex; plus strand). Cytogenetic location: 1p34.2.
Variant type: single nucleotide variant.
Coding change: c.46G>A on transcript NM_001365999.1 (MANE Select); coding-DNA position 46, G replaced by A.
Protein change: p.Val16Met; replaces valine 16 with methionine.
Molecular consequence: missense variant.
Genome position (GRCh38, 1-based): chr1:43,403,195, G>A. VCF-style: chr1-43403195-G-A. GRCh37 (hg19) VCF-style: chr1-43868866-G-A.
Other names: c.46G>A, p.Val16Met (NM_015284.4); short protein forms V16M.
Identifiers: ClinVar variation 1000028 (VCV001000028.8), dbSNP rs1487348555, ClinGen allele CA339994144.
Genomic context (GRCh38, chr1:43,403,195, plus strand): 5'-GTGCCATTTTTTAAAGATGTATTAATGTCTCTTTGTTCCCAGGTGGAAGAAGCTGGGCAG[G>A]TGTTCCTGTTAATGAAAAAGGATTATCGAATCTCCCGAAATGTTCGCCTGGCTTGGTTCC-3'
Protein context (NP_001352928.1, residues 6-26): PEPEVEEAGQ[Val16Met]FLLMKKDYRI

ClinVar aggregate classification (germline): Uncertain significance (1 of 4 stars; one submission).

Allele frequency attached by ClinVar (database versions not stated): TOPMed 0.00001.
gnomAD v4.1: 1 of 1,614,166 alleles (0.000062%); highest among the groups gnomAD compares: Admixed American, 0.0017%; no homozygotes.

Submission:

Labcorp Genetics (formerly Invitae), Labcorp
Classification: Uncertain significance. Last evaluated: 2023-07-17. Review status: criteria provided, single submitter. Criteria: Invitae Variant Classification Sherloc (09022015). Collection method: clinical testing. Allele origin: germline.
Comment: This sequence change replaces valine, which is neutral and non-polar, with methionine, which is neutral and non-polar, at codon 16 of the SZT2 protein (p.Val16Met). This variant is not present in population databases (gnomAD no frequency). This variant has not been reported in the literature in individuals affected with SZT2-related conditions. ClinVar contains an entry for this variant (Variation ID: 1000028). Advanced modeling of protein sequence and biophysical properties (such as structural, functional, and spatial information, amino acid conservation, physicochemical variation, residue mobility, and thermodynamic stability) has been performed at Invitae for this missense variant, however the output from this modeling did not meet the statistical confidence thresholds required to predict the impact of this variant on SZT2 protein function. In summary, the available evidence is currently insufficient to determine the role of this variant in disease. Therefore, it has been classified as a Variant of Uncertain Significance.